The following is an entry in ClinVar:

NM_001128840.3(CACNA1D):c.3555G>T (p.Leu1185Phe)

Gene: CACNA1D (calcium voltage-gated channel subunit alpha1 D; plus strand). Cytogenetic location: 3p21.1.
Variant type: single nucleotide variant.
Coding change: c.3555G>T on transcript NM_001128840.3 (MANE Select); coding-DNA position 3555, G replaced by T.
Protein change: p.Leu1185Phe; replaces leucine 1185 with phenylalanine.
Molecular consequence: missense variant.
Genome position (GRCh38, 1-based): chr3:53,751,787, G>T. VCF-style: chr3-53751787-G-T. GRCh37 (hg19) VCF-style: chr3-53785814-G-T.
Other names: c.3615G>T, p.Leu1205Phe (NM_000720.4); c.3555G>T, p.Leu1185Phe (NM_001128839.3); short protein forms L1205F, L1185F.
Identifiers: ClinVar variation 2092908 (VCV002092908.4), dbSNP rs2095228649, ClinGen allele CA353250390.

ClinVar aggregate classification (germline): Uncertain significance (1 of 4 stars; one submission).

Submission:

Labcorp Genetics (formerly Invitae), Labcorp
Classification: Uncertain significance. Last evaluated: 2022-02-04. Review status: criteria provided, single submitter. Criteria: Invitae Variant Classification Sherloc (09022015). Collection method: clinical testing. Allele origin: germline.
Comment: This sequence change replaces leucine, which is neutral and non-polar, with phenylalanine, which is neutral and non-polar, at codon 1205 of the CACNA1D protein (p.Leu1205Phe). In summary, the available evidence is currently insufficient to determine the role of this variant in disease. Therefore, it has been classified as a Variant of Uncertain Significance. Algorithms developed to predict the effect of missense changes on protein structure and function are either unavailable or do not agree on the potential impact of this missense change (SIFT: "Tolerated"; PolyPhen-2: "Possibly Damaging"; Align-GVGD: "Class C0"). This variant has not been reported in the literature in individuals affected with CACNA1D-related conditions. This variant is not present in population databases (gnomAD no frequency).